The following is an entry in ClinVar:

NM_001365951.3(KIF1B):c.4028A>G (p.Tyr1343Cys)

Gene: KIF1B (kinesin family member 1B; plus strand). Cytogenetic location: 1p36.22.
Variant type: single nucleotide variant.
Coding change: c.4028A>G on transcript NM_001365951.3 (MANE Select); coding-DNA position 4028, A replaced by G.
Protein change: p.Tyr1343Cys; replaces tyrosine 1343 with cysteine.
Molecular consequence: missense variant.
Genome position (GRCh38, 1-based): chr1:10,352,709, A>G. VCF-style: chr1-10352709-A-G. GRCh37 (hg19) VCF-style: chr1-10412767-A-G.
Other names: c.4028A>G, p.Tyr1343Cys (NM_001365952.1); c.3890A>G, p.Tyr1297Cys (NM_015074.3); short protein forms Y1343C, Y1297C.
Identifiers: ClinVar variation 4043089 (VCV004043089.1).

ClinVar aggregate classification (germline): Uncertain significance (1 of 4 stars; one submission).

gnomAD v4.1: 1 of 1,613,948 alleles (0.000062%); highest among the groups gnomAD compares: Non-Finnish European, 0.000085%; no homozygotes.

Submission:

Ambry Genetics
Classification: Uncertain significance. Last evaluated: 2025-03-29. Review status: criteria provided, single submitter. Criteria: Ambry Variant Classification Scheme 2023. Collection method: clinical testing. Allele origin: germline.
Comment: The p.Y1297C variant (also known as c.3890A>G), located in coding exon 35 of the KIF1B gene, results from an A to G substitution at nucleotide position 3890. The tyrosine at codon 1297 is replaced by cysteine, an amino acid with highly dissimilar properties. This amino acid position is conserved. In addition, this alteration is predicted to be tolerated by in silico analysis. Based on the available evidence, the clinical significance of this variant remains unclear.